The following is an entry in ClinVar:

NM_024642.5(GALNT12):c.141T>C (p.Ala47=)

Gene: GALNT12 (polypeptide N-acetylgalactosaminyltransferase 12; plus strand). Cytogenetic location: 9q22.33.
Variant type: single nucleotide variant.
Coding change: c.141T>C on transcript NM_024642.5 (MANE Select); coding-DNA position 141, T replaced by C.
Protein change: p.Ala47=; no amino-acid change (alanine 47 retained).
Molecular consequence: synonymous variant.
Genome position (GRCh38, 1-based): chr9:98,807,839, T>C. VCF-style: chr9-98807839-T-C. GRCh37 (hg19) VCF-style: chr9-101570121-T-C.
Identifiers: ClinVar variation 3227919 (VCV003227919.2), dbSNP rs1835409747, ClinGen allele CA466647388.
Genomic context (GRCh38, chr9:98,807,839, plus strand): 5'-ACTGGCGTTGGCCGGGCTGGGCTCGGTGCTGCGGGCGCAGCGTGGGGCCGGGGCCGGGGC[T>C]GCCGAGCCGGGACCCCCGCGCACCCCGCGCCCCGGGCGGCGCGAGCCGGTCATGCCGCGG-3'
Protein context (NP_078918.3, residues 37-57): LRAQRGAGAG[Ala47=]AEPGPPRTPR

ClinVar aggregate classification (germline): Benign/Likely benign. Review status: criteria provided, multiple submitters, no conflicts (2 of 4 stars). 2 submissions from 2 submitters: Benign (1); Likely benign (1). Last evaluated 2026-04-22.

Conditions:
Colorectal cancer, susceptibility to, 1. Also called: COLORECTAL ADENOMA AND CANCER, SUSCEPTIBILITY TO; COLORECTAL CANCER, SUSCEPTIBILITY TO, ON CHROMOSOME 9. Identifiers: MedGen C1837315, MONDO:0012132, OMIM 608812.

Submissions (2):

Myriad Genetics, Inc.
Classification: Benign for Colorectal cancer, susceptibility to, 1. Last evaluated: 2026-04-22. Review status: criteria provided, single submitter. Criteria: Myriad Autosomal Dominant, Autosomal Recessive and X-Linked Classification Criteria (2023). Collection method: clinical testing. Allele origin: unknown.
Comment: This variant is considered benign. This variant is a silent/synonymous amino acid change and it is not expected to impact splicing.

Ambry Genetics
Classification: Likely benign. Last evaluated: 2023-12-10. Review status: criteria provided, single submitter. Criteria: Ambry Variant Classification Scheme 2023. Collection method: clinical testing. Allele origin: germline.